The following is an entry in ClinVar:

NM_000540.3(RYR1):c.6860C>A (p.Ala2287Asp)

Gene: RYR1 (ryanodine receptor 1; plus strand). Cytogenetic location: 19q13.2.
Variant type: single nucleotide variant.
Coding change: c.6860C>A on transcript NM_000540.3 (MANE Select); coding-DNA position 6860, C replaced by A.
Protein change: p.Ala2287Asp; replaces alanine 2287 with aspartic acid.
Molecular consequence: missense variant.
Genome position (GRCh38, 1-based): chr19:38,496,923, C>A. VCF-style: chr19-38496923-C-A. GRCh37 (hg19) VCF-style: chr19-38987563-C-A.
Other names: c.6860C>A, p.Ala2287Asp (NM_001042723.2); c.6860C>A (NM_000540.2); short protein forms A2287D.
Identifiers: ClinVar variation 1412777 (VCV001412777.12), dbSNP rs761154999, ClinGen allele CA068817.

ClinVar aggregate classification (germline): Conflicting classifications of pathogenicity. Review status: criteria provided, conflicting classifications (1 of 4 stars). 5 submissions from 5 submitters: Likely pathogenic (1); Uncertain significance (4). Last evaluated 2025-08-29.

Conditions:
RYR1-related disorder. Also called: RYR1-related condition; RYR1-related disorders. Identifiers: MedGen CN239331.
Malignant hyperthermia, susceptibility to, 1 (MHS1). Also called: Malignant hyperthermia suceptibility 1; Anesthesia related hyperthermia; Malignant hyperpyrexia; Fulminating hyperpyrexia; Pharmacogenic myopathy; RYR1-Related Malignant Hyperthermia Susceptibility. Identifiers: Orphanet 423, MedGen C2930980, MONDO:0007783, OMIM 145600.
Congenital myopathy with fiber type disproportion. Also called: Congenital fiber-type disproportion myopathy; Congenital fiber-type disproportion. Identifiers: Orphanet 2020, MedGen C0546264, MONDO:0009711. Inheritance: all.
Central core myopathy (CMYO1A). Also called: Central core disease; Myopathy, central fibrillar; CONGENITAL MYOPATHY 1A, AUTOSOMAL DOMINANT, WITH SUSCEPTIBILITY TO MALIGNANT HYPERTHERMIA. Identifiers: Orphanet 597, MedGen C5830701, MONDO:0007294, OMIM 117000.
Congenital multicore myopathy with external ophthalmoplegia (CMYO1B). Also called: Congenital myopathy 1B, autosomal recessive; Minicore myopathy; Minicore myopathy with external ophthalmoplegia; MULTICORE MYOPATHY; MULTIMINICORE DISEASE WITH EXTERNAL OPHTHALMOPLEGIA. Identifiers: Orphanet 598, Orphanet 98905, MedGen C1850674, MONDO:0009712, OMIM 255320, HP:0003789.
King Denborough syndrome (KDS). Identifiers: MedGen C1840365, MONDO:0020485, OMIM 619542.
Centronuclear myopathy (CNM). Also called: Myotubular myopathy; Centronuclear myopathy, congenital. Identifiers: Orphanet 595, MedGen C0175709, MONDO:0018947. Inheritance: All.

Allele frequency attached by ClinVar (database versions not stated): gnomAD exomes 0.00001 and 0.00003; ExAC 0.00002; gnomAD 0.00002.
gnomAD v4.1: 46 of 1,613,498 alleles (0.0029%); highest among the groups gnomAD compares: Non-Finnish European, 0.0037%; no homozygotes.

Submissions (5):

Labcorp Genetics (formerly Invitae), Labcorp
Classification: Uncertain significance for RYR1-related disorder. Last evaluated: 2025-08-29. Review status: criteria provided, single submitter. Criteria: Invitae Variant Classification Sherloc (09022015). Collection method: clinical testing. Allele origin: germline.
Comment: This sequence change replaces alanine, which is neutral and non-polar, with aspartic acid, which is acidic and polar, at codon 2287 of the RYR1 protein (p.Ala2287Asp). This variant is present in population databases (rs761154999, gnomAD 0.004%). This missense change has been observed in individual(s) with congenital myopathy (PMID: 30611313). ClinVar contains an entry for this variant (Variation ID: 1412777). Invitae Evidence Modeling of protein sequence and biophysical properties (such as structural, functional, and spatial information, amino acid conservation, physicochemical variation, residue mobility, and thermodynamic stability) indicates that this missense variant is expected to disrupt RYR1 protein function with a positive predictive value of 80%. In summary, the available evidence is currently insufficient to determine the role of this variant in disease. Therefore, it has been classified as a Variant of Uncertain Significance.

Blueprint Genetics
Classification: Uncertain significance. Last evaluated: 2024-04-10. Review status: criteria provided, single submitter. Criteria: ACMG Guidelines, 2015. Collection method: clinical testing. Allele origin: germline.

GeneDx
Classification: Uncertain significance. Last evaluated: 2024-03-07. Review status: criteria provided, single submitter. Criteria: GeneDx Variant Classification Process June 2021. Collection method: clinical testing. Allele origin: germline. Affected: yes.
Comment: Reported with a second RYR1 variant on the opposite allele (in trans) in a patient with arthrogryposis, ophthalmoplegia, eyelid ptosis, muscle weakness, and lordosis (PMID: 30611313); In silico analysis supports that this missense variant has a deleterious effect on protein structure/function; Not observed at significant frequency in large population cohorts (gnomAD); This variant is associated with the following publications: (PMID: 30611313, 12668474, 33767344)

Muscle and Diseases Team, Institut de Génétique et Biologie Moléculaire et Cellulaire
Classification: Likely pathogenic for Centronuclear myopathy. Last evaluated: 2024-03-01. Review status: criteria provided, single submitter. Criteria: ACMG Guidelines, 2015. Collection method: research. Allele origin: paternal. Affected: yes. Observed: 1 variant allele.

Fulgent Genetics
Classification: Uncertain significance for Central core myopathy; Malignant hyperthermia, susceptibility to, 1; Congenital myopathy 4A, autosomal dominant; Congenital multicore myopathy with external ophthalmoplegia; King Denborough syndrome. Last evaluated: 2021-07-27. Review status: criteria provided, single submitter. Criteria: ACMG Guidelines, 2015. Collection method: clinical testing. Allele origin: unknown.

Literature cited by the submitters: PubMed 30611313 (cited by Labcorp Genetics (formerly Invitae), Labcorp and Muscle and Diseases Team, Institut de Génétique et Biologie Moléculaire et Cellulaire).